The following is an entry in ClinVar:

NM_001005242.3(PKP2):c.2036C>T (p.Thr679Ile)

Gene: PKP2 (plakophilin 2; minus strand). Cytogenetic location: 12p11.21.
Variant type: single nucleotide variant.
Coding change: c.2036C>T on transcript NM_001005242.3 (MANE Select); coding-DNA position 2036, C replaced by T.
Protein change: p.Thr679Ile; replaces threonine 679 with isoleucine.
Molecular consequence: missense variant.
Genome position (GRCh38, 1-based): chr12:32,802,534, G>A on the plus strand (C>T on the coding strand, the complement: PKP2 is on the minus strand). VCF-style: chr12-32802534-G-A. GRCh37 (hg19) VCF-style: chr12-32955468-G-A.
Other names: c.2036C>T, p.Thr679Ile (NM_001407155.1); c.1871C>T, p.Thr624Ile (NM_001407156.1); c.1709C>T, p.Thr570Ile (NM_001407158.1, NM_001407159.1, NM_001407160.1); c.2168C>T, p.Thr723Ile (NM_004572.4); short protein forms T723I, T570I, T624I, T679I.
Identifiers: ClinVar variation 2195894 (VCV002195894.2), dbSNP rs754136164, ClinGen allele CA033202.
Genomic context (GRCh38, chr12:32,802,534, plus strand): 5'-GGGTCACCAACATGCAGCATCTTTCGGGTGTGCTGCAGGCCACTTTCCTTCTGGACAACT[G>A]TCTGAGCCACTGATGTCGGCATCTGTTTTGTGAGACATATCCTATAAGTGCTATTGTATT-3'
Protein context (NP_001005242.2, residues 669-689): SGPMPTSVAQ[Thr679Ile]VVQKESGLQH

ClinVar aggregate classification (germline): Uncertain significance (1 of 4 stars; one submission).

Conditions:
Arrhythmogenic right ventricular dysplasia 9 (ARVD9). Also called: Arrhythmogenic Right Ventricular Dysplasia/Cardiomyopathy 9; ARRHYTHMOGENIC RIGHT VENTRICULAR DYSPLASIA, FAMILIAL, 9. Identifiers: MedGen C1836906, MONDO:0012180, OMIM 609040.

Allele frequency attached by ClinVar (database versions not stated): gnomAD exomes below 0.00001; ExAC 0.00001.
gnomAD v4.1: 1 of 1,614,078 alleles (0.000062%); highest among the groups gnomAD compares: Admixed American, 0.0017%; no homozygotes.

Submission:

Labcorp Genetics (formerly Invitae), Labcorp
Classification: Uncertain significance for Arrhythmogenic right ventricular dysplasia 9. Last evaluated: 2025-06-22. Review status: criteria provided, single submitter. Criteria: Invitae Variant Classification Sherloc (09022015). Collection method: clinical testing. Allele origin: germline.
Comment: This sequence change replaces threonine, which is neutral and polar, with isoleucine, which is neutral and non-polar, at codon 723 of the PKP2 protein (p.Thr723Ile). This variant is present in population databases (rs754136164, gnomAD 0.003%). This variant has not been reported in the literature in individuals affected with PKP2-related conditions. ClinVar contains an entry for this variant (Variation ID: 2195894). An algorithm developed to predict the effect of missense changes on protein structure and function (PolyPhen-2) suggests that this variant is likely to be tolerated. In summary, the available evidence is currently insufficient to determine the role of this variant in disease. Therefore, it has been classified as a Variant of Uncertain Significance.